The following is an entry in ClinVar:

NM_024580.6(EFL1):c.2861A>C (p.Tyr954Ser)

Gene: EFL1 (elongation factor like GTPase 1; minus strand). Cytogenetic location: 15q25.2.
Variant type: single nucleotide variant.
Coding change: c.2861A>C on transcript NM_024580.6 (MANE Select); coding-DNA position 2861, A replaced by C.
Protein change: p.Tyr954Ser; replaces tyrosine 954 with serine.
Molecular consequence: missense variant. On other transcripts: non-coding transcript variant (1).
Genome position (GRCh38, 1-based): chr15:82,151,593, T>G on the plus strand (A>C on the coding strand, the complement: EFL1 is on the minus strand). VCF-style: chr15-82151593-T-G. GRCh37 (hg19) VCF-style: chr15-82443934-T-G.
Other names: c.2708A>C, p.Tyr903Ser (NM_001040610.3); c.2072A>C, p.Tyr691Ser (NM_001322844.2); c.2861A>C, p.Tyr954Ser (NM_001322845.2); short protein forms Y954S, Y691S, Y903S.
Identifiers: ClinVar variation 1423650 (VCV001423650.5), dbSNP rs376247618, ClinGen allele CA7697690.

ClinVar aggregate classification (germline): Uncertain significance. Review status: criteria provided, multiple submitters, no conflicts (2 of 4 stars). 2 submissions from 2 submitters: Uncertain significance (2). Last evaluated 2023-03-20.

Allele frequency attached by ClinVar (database versions not stated): gnomAD exomes below 0.00001; ExAC 0.00001; gnomAD 0.00001; ESP Exome Variant Server 0.00008.
gnomAD v4.1: 3 of 1,614,066 alleles (0.00019%); highest among the groups gnomAD compares: Non-Finnish European, 0.00025%; no homozygotes.

Submissions (2):

Blueprint Genetics
Classification: Uncertain significance. Last evaluated: 2023-03-20. Review status: criteria provided, single submitter. Criteria: ACMG Guidelines, 2015. Collection method: clinical testing. Allele origin: germline.

Labcorp Genetics (formerly Invitae), Labcorp
Classification: Uncertain significance. Last evaluated: 2021-10-29. Review status: criteria provided, single submitter. Criteria: Invitae Variant Classification Sherloc (09022015). Collection method: clinical testing. Allele origin: germline.
Comment: In summary, the available evidence is currently insufficient to determine the role of this variant in disease. Therefore, it has been classified as a Variant of Uncertain Significance. Algorithms developed to predict the effect of missense changes on protein structure and function are either unavailable or do not agree on the potential impact of this missense change (SIFT: "Tolerated"; PolyPhen-2: "Probably Damaging"; Align-GVGD: "Class C0"). This variant has not been reported in the literature in individuals affected with EFL1-related conditions. This variant is present in population databases (rs376247618, gnomAD 0.0009%). This sequence change replaces tyrosine, which is neutral and polar, with serine, which is neutral and polar, at codon 954 of the EFL1 protein (p.Tyr954Ser).